The following is an entry in ClinVar:

ClinVar aggregate classification (germline): Likely benign (1 of 4 stars; one submission).

Allele frequency attached by ClinVar (database versions not stated): gnomAD exomes 0.00008; gnomAD 0.00009; TOPMed 0.00012; ESP Exome Variant Server 0.00019; ExAC 0.00021.
gnomAD v4.1: 107 of 1,187,557 alleles (0.009%); highest among the groups gnomAD compares: Non-Finnish European, 0.0012%; no homozygotes.

Submission:

CeGaT Center for Human Genetics Tuebingen
Classification: Likely benign. Last evaluated: 2023-04-01. Review status: criteria provided, single submitter. Criteria: CeGaT Center For Human Genetics Tuebingen Variant Classification Criteria Version 2. Collection method: clinical testing. Allele origin: germline. Affected: yes. Observed: 1 variant allele.
Comment: DGAT2L6: BS2

NM_198512.3(DGAT2L6):c.171C>T (p.Thr57=)

Gene: DGAT2L6 (diacylglycerol O-acyltransferase 2 like 6; plus strand). Cytogenetic location: Xq13.1.
Variant type: single nucleotide variant.
Coding change: c.171C>T on transcript NM_198512.3 (MANE Select); coding-DNA position 171, C replaced by T.
Protein change: p.Thr57=; no amino-acid change (threonine 57 retained).
Molecular consequence: synonymous variant.
Genome position (GRCh38, 1-based): chrX:70,199,356, C>T. VCF-style: chrX-70199356-C-T. GRCh37 (hg19) VCF-style: chrX-69419206-C-T.
Identifiers: ClinVar variation 2660803 (VCV002660803.24), dbSNP rs143519268, ClinGen allele CA10439619.